The following is an entry in ClinVar:

ClinVar aggregate classification (germline): Pathogenic. Review status: reviewed by expert panel (3 of 4 stars). 2 submissions from 2 submitters: Pathogenic (1). 1 of the submissions does not count toward it. Last evaluated 2016-10-18.

Conditions:
Breast-ovarian cancer, familial, susceptibility to, 2 (BROVCA2). Also called: BRCA2 Hereditary Breast and Ovarian Cancer. Identifiers: Orphanet 145, MedGen C2675520, MONDO:0012933, OMIM 612555. Disease mechanism: loss of function.

Submissions (2):

Evidence-based Network for the Interpretation of Germline Mutant Alleles (ENIGMA)
Classification: Pathogenic for Breast-ovarian cancer, familial, susceptibility to, 2. Last evaluated: 2016-10-18. Review status: reviewed by expert panel. Criteria: ENIGMA BRCA1/2 Classification Criteria (2015). Collection method: curation. Allele origin: germline.
Comment: Variant allele predicted to encode a truncated non-functional protein.

Consortium of Investigators of Modifiers of BRCA1/2 (CIMBA), c/o University of Cambridge
Classification: Pathogenic for Breast-ovarian cancer, familial, susceptibility to, 2. Last evaluated: 2015-10-02. Review status: criteria provided, single submitter. Criteria: CIMBA Mutation Classification guidelines May 2016. Collection method: clinical testing. Allele origin: germline. Not counted in ClinVar's aggregate classification.

NM_000059.4(BRCA2):c.9418_9430del (p.Ala3140fs)

Gene: BRCA2 (BRCA2 DNA repair associated; plus strand). Cytogenetic location: 13q13.1.
Variant type: Deletion.
Coding change: c.9418_9430del on transcript NM_000059.4 (MANE Select); coding-DNA positions 9418 to 9430, 13 bases deleted (GCTGGAGATTTTT).
Protein change: p.Ala3140fs; shifts the reading frame from alanine 3140.
Molecular consequence: frameshift variant.
Genome position (GRCh38, 1-based): chr13:32,394,850-32,394,862, GCTGGAGATTTTT deleted; deleting any 13 consecutive bases within chr13:32,394,847-32,394,862 gives the same sequence; the c. name uses the placement nearest the transcript's 3' end. VCF-style (leftmost placement, unchanged base first): chr13-32394846-ATTTGCTGGAGATT-A. GRCh37 (hg19) VCF-style: chr13-32968983-ATTTGCTGGAGATT-A.
Other names: 9646del13-ter3162; short protein forms A3140fs.
Identifiers: ClinVar variation 267160 (VCV000267160.5), dbSNP rs886040839, ClinGen allele CA10589566.